The following is an entry in ClinVar:

NM_001104631.2(PDE4D):c.235C>T (p.Pro79Ser)

Gene: PDE4D (phosphodiesterase 4D; minus strand). Cytogenetic location: 5q12.1.
Variant type: single nucleotide variant.
Coding change: c.235C>T on transcript NM_001104631.2 (MANE Select); coding-DNA position 235, C replaced by T.
Protein change: p.Pro79Ser; replaces proline 79 with serine.
Molecular consequence: missense variant. On other transcripts: intron variant (5).
Genome position (GRCh38, 1-based): chr5:59,893,388, G>A on the plus strand (C>T on the coding strand, the complement: PDE4D is on the minus strand). VCF-style: chr5-59893388-G-A. GRCh37 (hg19) VCF-style: chr5-59189215-G-A.
Other names: c.272+95100C>T (NM_001364599.1, NM_001165899.2, NM_001364600.2); c.-240+95100C>T (NM_001349243.2); c.242+95100C>T (NM_001349241.2); short protein forms P79S.
Identifiers: ClinVar variation 1448098 (VCV001448098.9), dbSNP rs765507833, ClinGen allele CA3276679.

ClinVar aggregate classification (germline): Uncertain significance. Review status: criteria provided, multiple submitters, no conflicts (2 of 4 stars). 2 submissions from 2 submitters: Uncertain significance (2). Last evaluated 2024-06-05.

Conditions:
Acrodysostosis 2 with or without hormone resistance. Also called: ACRODYSOSTOSIS 2 WITH HORMONE RESISTANCE; ACRODYSOSTOSIS 2 WITHOUT HORMONE RESISTANCE. Identifiers: Orphanet 280651, MedGen C3553250, MONDO:0013822, OMIM 614613.

Allele frequency attached by ClinVar (database versions not stated): gnomAD 0.00002; gnomAD exomes 0.00004 and 0.00016; ExAC 0.00126.

Submissions (2):

Fulgent Genetics
Classification: Uncertain significance for Acrodysostosis 2 with or without hormone resistance. Last evaluated: 2024-06-05. Review status: criteria provided, single submitter. Criteria: ACMG Guidelines, 2015. Collection method: clinical testing. Allele origin: germline.

Labcorp Genetics (formerly Invitae), Labcorp
Classification: Uncertain significance. Last evaluated: 2023-04-23. Review status: criteria provided, single submitter. Criteria: Invitae Variant Classification Sherloc (09022015). Collection method: clinical testing. Allele origin: germline.
Comment: In summary, the available evidence is currently insufficient to determine the role of this variant in disease. Therefore, it has been classified as a Variant of Uncertain Significance. An algorithm developed to predict the effect of missense changes on protein structure and function (PolyPhen-2) suggests that this variant is likely to be tolerated. ClinVar contains an entry for this variant (Variation ID: 1448098). This variant has not been reported in the literature in individuals affected with PDE4D-related conditions. The frequency data for this variant in the population databases is considered unreliable, as metrics indicate poor data quality at this position in the gnomAD database. This sequence change replaces proline, which is neutral and non-polar, with serine, which is neutral and polar, at codon 79 of the PDE4D protein (p.Pro79Ser).